The following is an entry in ClinVar:

ClinVar aggregate classification (germline): conflicting data from submitters (0 of 4 stars; one submission).

Submission:

ISCA site 1
Classification: conflicting data from submitters. Last evaluated: 2014-12-14. Review status: no assertion criteria provided. Collection method: clinical testing. Allele origin: unknown. Affected: yes. Observed: 2 variant alleles.
Comment: Pathogenic(1), Uncertain significance(1)

Copy number variation identified through the course of routine clinical cytogenomic testing in postnatal populations, with clinical assertions as classified by the original submitter. For data from the original published study, Kaminsky, et al. 2011 (PubMed 21844811), please see nstd101.

GRCh38/hg38 15q13.2-13.3(chr15:30621371-32147323)x3

Genes: ARHGAP11B (Rho GTPase activating protein 11B), ARHGAP11B-DT (ARHGAP11B divergent transcript), CHRNA7 (cholinergic receptor nicotinic alpha 7 subunit), FAN1 (FANCD2 and FANCI associated nuclease 1; plus strand), KLF13 (KLF transcription factor 13; plus strand) and 25 more. Cytogenetic location: 15q13.2-13.3.
Variant type: copy number gain.
Change: copy number 3 (three copies instead of two) of chr15:30,621,371-32,147,323 (1.53 Mb, GRCh38 coordinates, 1-based), cytogenetic band 15q13.2-13.3.
Identifiers: ClinVar variation 154013 (VCV000154013.3).